The following is an entry in ClinVar:

ClinVar aggregate classification (germline): Uncertain significance. Review status: criteria provided, multiple submitters, no conflicts (2 of 4 stars). 6 submissions from 6 submitters: Uncertain significance (6). Last evaluated 2024-12-20.

Conditions:
Inborn genetic diseases. Identifiers: MedGen C0950123, MeSH D030342.
Microcephaly 1, primary, autosomal recessive (MCPH1). Also called: PCC SYNDROME; PREMATURE CHROMOSOME CONDENSATION WITH MICROCEPHALY AND MENTAL RETARDATION; PREMATURE CHROMOSOME CONDENSATION SYNDROME. Identifiers: Orphanet 2512, MedGen C1855081, MONDO:0009617, OMIM 251200.

Allele frequency attached by ClinVar (database versions not stated): ESP Exome Variant Server 0.00008; ExAC 0.00011; gnomAD 0.00013; gnomAD exomes 0.00014 and 0.00016; TOPMed 0.00014.
gnomAD v4.1: 230 of 1,614,170 alleles (0.014%); highest among the groups gnomAD compares: Admixed American, 0.028%; no homozygotes.

Submissions (6):

Labcorp Genetics (formerly Invitae), Labcorp
Classification: Uncertain significance. Last evaluated: 2024-12-20. Review status: criteria provided, single submitter. Criteria: Invitae Variant Classification Sherloc (09022015). Collection method: clinical testing. Allele origin: germline.
Comment: This sequence change replaces arginine, which is basic and polar, with histidine, which is basic and polar, at codon 703 of the MCPH1 protein (p.Arg703His). This variant is present in population databases (rs370275760, gnomAD 0.05%). This variant has not been reported in the literature in individuals affected with MCPH1-related conditions. ClinVar contains an entry for this variant (Variation ID: 167286). Invitae Evidence Modeling of protein sequence and biophysical properties (such as structural, functional, and spatial information, amino acid conservation, physicochemical variation, residue mobility, and thermodynamic stability) indicates that this missense variant is expected to disrupt MCPH1 protein function with a positive predictive value of 80%. In summary, the available evidence is currently insufficient to determine the role of this variant in disease. Therefore, it has been classified as a Variant of Uncertain Significance.

GeneDx
Classification: Uncertain significance. Last evaluated: 2021-12-14. Review status: criteria provided, single submitter. Criteria: GeneDx Variant Classification Process June 2021. Collection method: clinical testing. Allele origin: germline. Affected: yes.
Comment: In silico analysis supports that this missense variant has a deleterious effect on protein structure/function; Has not been previously published as pathogenic or benign to our knowledge

Ambry Genetics
Classification: Uncertain significance for Inborn genetic diseases. Last evaluated: 2021-09-16. Review status: criteria provided, single submitter. Criteria: Ambry Variant Classification Scheme 2023. Collection method: clinical testing. Allele origin: germline.

Fulgent Genetics
Classification: Uncertain significance for Microcephaly 1, primary, autosomal recessive. Last evaluated: 2018-10-31. Review status: criteria provided, single submitter. Criteria: ACMG Guidelines, 2015. Collection method: clinical testing. Allele origin: unknown.

Illumina Laboratory Services, Illumina
Classification: Uncertain significance for Microcephaly 1, primary, autosomal recessive. Last evaluated: 2018-01-13. Review status: criteria provided, single submitter. Criteria: ICSL Variant Classification Criteria 13 December 2019. Collection method: clinical testing. Allele origin: germline.

Eurofins Ntd Llc (ga)
Classification: Uncertain significance. Last evaluated: 2014-04-04. Review status: criteria provided, single submitter. Criteria: EGL Classification Definitions 2015. Collection method: clinical testing. Allele origin: germline. Observed: 1 variant allele, 1 heterozygote.

NM_024596.5(MCPH1):c.2108G>A (p.Arg703His)

Gene: MCPH1 (microcephalin 1; plus strand). Cytogenetic location: 8p23.1.
Variant type: single nucleotide variant.
Coding change: c.2108G>A on transcript NM_024596.5 (MANE Select); coding-DNA position 2108, G replaced by A.
Protein change: p.Arg703His; replaces arginine 703 with histidine.
Molecular consequence: missense variant. On other transcripts: intron variant (1).
Genome position (GRCh38, 1-based): chr8:6,480,848, G>A. VCF-style: chr8-6480848-G-A. GRCh37 (hg19) VCF-style: chr8-6338369-G-A.
Other names: c.2108G>A, p.Arg703His (NM_001322042.2, NM_001363979.1); c.1935+25596G>A (NM_001363980.2); short protein forms R703H.
Identifiers: ClinVar variation 167286 (VCV000167286.17), dbSNP rs370275760, ClinGen allele CA234259.